The following continues an entry in ClinVar:

NM_007294.4(BRCA1):c.2125_2126insA (p.Phe709fs)

Gene: BRCA1. ClinVar aggregate classification (germline): Pathogenic. Pathogenic (1).

Submissions 13 to 18 of 18:

University of Science and Technology Houari Boumediene, Laboratory of Molecular and Cellular Biology (LBCM)
Classification: Pathogenic for Breast-ovarian cancer, familial, susceptibility to, 1. Review status: criteria provided, single submitter. Criteria: ACMG Guidelines, 2015. Collection method: clinical testing. Allele origin: germline. Inheritance: Autosomal dominant inheritance. Affected: yes. Observed: 3 heterozygotes. Not counted in ClinVar's aggregate classification.

KCCC/NGS Laboratory, Kuwait Cancer Control Center
Classification: Pathogenic for Breast-ovarian cancer, familial, susceptibility to, 1. Last evaluated: 2023-05-05. Review status: no assertion criteria provided. Collection method: clinical testing. Allele origin: germline. Affected: yes. Not counted in ClinVar's aggregate classification.
Comment: A known pathogenic mutation was detected in the BRCA1 gene (c.2125_2126insA). This sequence change creates a premature translational stop signal (p.Phe709Tyrfs*3) in the BRCA1 gene. It is expected to result in an absent or disrupted protein product. This variant is not present in population databases ( gnomAD). This variant has been reported in individuals affected with breast and ovarian cancer (PMID: 10200350, 16905680, 24549055, 25884701, 27083178). This variant is also known as 2244insA in the literature. ClinVar contains an entry for this variant (Variation ID: 54469). Loss-of-function variants in BRCA1 are known to be pathogenic (PMID: 20104584). Therefore, this variant has been classified as Pathogenic. This variant was confirmed by Sanger Sequencing . Pathogenic mutations in the BRCA1 gene cause Hereditary Breast/Ovarian Cancer syndrome (HBOC). Carriers of a deleterious BRCA1 gene mutation are at: 50%-80% risk of developing breast cancer [general population at 12%]. 21.1% within 10 yrs and 83% by age 70 risk of developing second primary breast [general population at 2% within 5 years]. 24-%-40% risk of developing ovarian cancer [general population at 1-2%]. 1%-2% risk of developing male breast cancer [general population at 0.1%]. Up to 30% risk developing prostate cancer [general population at 15-18%]. 1%-3% risk developing pancreatic cancer [general population at 0.5%]. The Breast Cancer Linkage Consortium reported statistically significantly increased relative risks for cancers of the uterine body and cervix (only in heterozygous women age <65 years), with relative risks of 2.6, and 3.7 respectively [Thompson & Easton 2002]. Germline pathogenic variants in BRCA1 are inherited in an autosomal dominant manner. The majority of individuals with a BRCA1 pathogenic variant have inherited it from a parent. However, because of incomplete penetrance, variable age of cancer development, cancer risk reduction resulting from prophylactic surgery, or early death, not all individuals with a BRCA1 pathogenic variant have a parent affected with cancer.

Research Molecular Genetics Laboratory, Women's College Hospital, University of Toronto
Classification: Pathogenic for Hereditary breast ovarian cancer syndrome. Last evaluated: 2014-01-31. Review status: no assertion criteria provided. Collection method: research. Allele origin: germline. Affected: yes. Study: The Canadian Open Genetics Repository (COGR). Not counted in ClinVar's aggregate classification.

Sharing Clinical Reports Project (SCRP)
Classification: Pathogenic for Breast-ovarian cancer, familial 1. Last evaluated: 2012-05-01. Review status: no assertion criteria provided. Collection method: clinical testing. Allele origin: germline. Not counted in ClinVar's aggregate classification.

Foulkes Cancer Genetics LDI, Lady Davis Institute for Medical Research
Classification: Pathogenic for Breast and/or ovarian cancer. Last evaluated: 2012-03-27. Review status: no assertion criteria provided. Collection method: clinical testing. Allele origin: germline. Study: The Canadian Open Genetics Repository (COGR). Not counted in ClinVar's aggregate classification.

Breast Cancer Information Core (BIC) (BRCA1)
Classification: Pathogenic for Breast-ovarian cancer, familial 1. Last evaluated: 2004-11-25. Review status: no assertion criteria provided. Collection method: clinical testing. Allele origin: germline. Affected: yes. Observed: 2 variant alleles. Not counted in ClinVar's aggregate classification.

Literature cited by the submitters: PubMed 20104584 (cited by Labcorp Genetics (formerly Invitae), Labcorp and KCCC/NGS Laboratory, Kuwait Cancer Control Center); PubMed 10200350 (cited by 3 submitters); PubMed 16905680 (cited by 4 submitters); PubMed 24549055 (cited by 4 submitters); PubMed 25884701 (cited by 3 submitters); PubMed 27083178 (cited by 3 submitters); PubMed 22762150 (cited by Ambry Genetics); PubMed 27446417 (cited by Ambry Genetics and Quest Diagnostics Nichols Institute San Juan Capistrano); PubMed 29446198 (cited by 3 submitters); PubMed 28478614 (cited by University of Science and Technology Houari Boumediene, Laboratory of Molecular and Cellular Biology (LBCM)).